The following is an entry in ClinVar:

ClinVar aggregate classification (germline): Uncertain significance (1 of 4 stars; one submission).

Allele frequency attached by ClinVar (database versions not stated): gnomAD exomes below 0.00001.
gnomAD v4.1: 1 of 1,614,176 alleles (0.000062%); highest among the groups gnomAD compares: East Asian, 0.0022%; no homozygotes.

Submission:

Labcorp Genetics (formerly Invitae), Labcorp
Classification: Uncertain significance. Last evaluated: 2022-09-27. Review status: criteria provided, single submitter. Criteria: Invitae Variant Classification Sherloc (09022015). Collection method: clinical testing. Allele origin: germline.
Comment: This sequence change replaces isoleucine, which is neutral and non-polar, with valine, which is neutral and non-polar, at codon 1868 of the TECTA protein (p.Ile1868Val). This variant is not present in population databases (gnomAD no frequency). This variant has not been reported in the literature in individuals affected with TECTA-related conditions. Advanced modeling of protein sequence and biophysical properties (such as structural, functional, and spatial information, amino acid conservation, physicochemical variation, residue mobility, and thermodynamic stability) performed at Invitae indicates that this missense variant is not expected to disrupt TECTA protein function. In summary, the available evidence is currently insufficient to determine the role of this variant in disease. Therefore, it has been classified as a Variant of Uncertain Significance.

NM_005422.4(TECTA):c.5602A>G (p.Ile1868Val)

Genes: TBCEL-TECTA (TBCEL-TECTA readthrough; plus strand), TECTA (tectorin alpha; plus strand). Cytogenetic location: 11q23.3.
Variant type: single nucleotide variant.
Coding change: c.5602A>G on transcript NM_005422.4 (MANE Select); coding-DNA position 5602, A replaced by G.
Protein change: p.Ile1868Val; replaces isoleucine 1868 with valine.
Molecular consequence: missense variant.
Genome position (GRCh38, 1-based): chr11:121,168,069, A>G. VCF-style: chr11-121168069-A-G. GRCh37 (hg19) VCF-style: chr11-121038778-A-G.
Other names: c.6544A>G, p.Ile2182Val (NM_001378761.1); short protein forms I1868V, I2182V.
Identifiers: ClinVar variation 2088534 (VCV002088534.4), dbSNP rs2496991906, ClinGen allele CA383035253.
Genomic context (GRCh38, chr11:121,168,069, plus strand): 5'-CTCACTCCCAGATGTAACGATTTCTGACTTCCCCTTGTTCTGCAGTCCAATGGCACGCAT[A>G]TCATGTATAAAAACACACTCTGGATCGAAAGCGCCAACAACACTGGCAACATCATCACCA-3'
Protein context (NP_005413.2, residues 1858-1878): GNIVQSNGTH[Ile1868Val]MYKNTLWIES